The following is an entry in ClinVar:

NM_002878.4(RAD51D):c.257T>G (p.Ile86Ser)

Genes: RAD51D (RAD51 paralog D; minus strand), RAD51L3-RFFL (RAD51L3-RFFL readthrough; minus strand). Cytogenetic location: 17q12.
Variant type: single nucleotide variant.
Coding change: c.257T>G on transcript NM_002878.4 (MANE Select); coding-DNA position 257, T replaced by G.
Protein change: p.Ile86Ser; replaces isoleucine 86 with serine.
Molecular consequence: missense variant. On other transcripts: intron variant (2).
Genome position (GRCh38, 1-based): chr17:35,118,507, A>C on the plus strand (T>G on the coding strand, the complement: RAD51D is on the minus strand). VCF-style: chr17-35118507-A-C. GRCh37 (hg19) VCF-style: chr17-33445526-A-C.
Other names: c.144+604T>G (NM_133629.3, NM_001142571.2); short protein forms I86S.
Identifiers: ClinVar variation 1515461 (VCV001515461.13), dbSNP rs1312421615, ClinGen allele CA399091184.

ClinVar aggregate classification (germline): Uncertain significance. Review status: criteria provided, multiple submitters, no conflicts (2 of 4 stars). 3 submissions from 3 submitters: Uncertain significance (3). Last evaluated 2025-08-20.

Conditions:
Hereditary cancer-predisposing syndrome. Also called: Tumor predisposition; Neoplastic Syndromes, Hereditary; Hereditary neoplastic syndrome; Hereditary Cancer Syndrome. Identifiers: Orphanet 140162, MedGen C0027672, MeSH D009386, MONDO:0015356.
Breast-ovarian cancer, familial, susceptibility to, 4. Identifiers: Orphanet 145, MedGen C3280345, MONDO:0013669, OMIM 614291.

Submissions (3):

Ambry Genetics
Classification: Uncertain significance for Hereditary cancer-predisposing syndrome. Last evaluated: 2025-08-20. Review status: criteria provided, single submitter. Criteria: Ambry Variant Classification Scheme 2023. Collection method: clinical testing. Allele origin: germline.
Comment: The p.I86S variant (also known as c.257T>G), located in coding exon 3 of the RAD51D gene, results from a T to G substitution at nucleotide position 257. The isoleucine at codon 86 is replaced by serine, an amino acid with dissimilar properties. This amino acid position is not well conserved in available vertebrate species. In addition, the in silico prediction for this alteration is inconclusive. Since supporting evidence is limited at this time, the clinical significance of this alteration remains unclear.

Color Diagnostics, LLC DBA Color Health
Classification: Uncertain significance for Hereditary cancer-predisposing syndrome. Last evaluated: 2024-03-07. Review status: criteria provided, single submitter. Criteria: ACMG Guidelines, 2015. Collection method: clinical testing. Allele origin: germline.
Comment: This missense variant replaces isoleucine with serine at codon 86 of the RAD51D protein. Computational prediction suggests that this variant may not impact protein structure and function (internally defined REVEL score threshold <= 0.5, PMID: 27666373). To our knowledge, functional studies have not been reported for this variant. This variant has not been reported in individuals affected with hereditary cancer in the literature. This variant has not been identified in the general population by the Genome Aggregation Database (gnomAD). The available evidence is insufficient to determine the role of this variant in disease conclusively. Therefore, this variant is classified as a Variant of Uncertain Significance.

Labcorp Genetics (formerly Invitae), Labcorp
Classification: Uncertain significance for Breast-ovarian cancer, familial, susceptibility to, 4. Last evaluated: 2023-08-23. Review status: criteria provided, single submitter. Criteria: Invitae Variant Classification Sherloc (09022015). Collection method: clinical testing. Allele origin: germline.
Comment: This variant is not present in population databases (gnomAD no frequency). This sequence change replaces isoleucine, which is neutral and non-polar, with serine, which is neutral and polar, at codon 86 of the RAD51D protein (p.Ile86Ser). This variant has not been reported in the literature in individuals affected with RAD51D-related conditions. In summary, the available evidence is currently insufficient to determine the role of this variant in disease. Therefore, it has been classified as a Variant of Uncertain Significance. Advanced modeling of protein sequence and biophysical properties (such as structural, functional, and spatial information, amino acid conservation, physicochemical variation, residue mobility, and thermodynamic stability) performed at Invitae indicates that this missense variant is not expected to disrupt RAD51D protein function. ClinVar contains an entry for this variant (Variation ID: 1515461).